The following is an entry in ClinVar:

ClinVar aggregate classification (germline): Uncertain significance (1 of 4 stars; one submission).

Conditions:
EGFR-related lung cancer (EGFR). Identifiers: MedGen CN130014.

Submission:

Labcorp Genetics (formerly Invitae), Labcorp
Classification: Uncertain significance for EGFR-related lung cancer. Last evaluated: 2024-03-20. Review status: criteria provided, single submitter. Criteria: Invitae Variant Classification Sherloc (09022015). Collection method: clinical testing. Allele origin: germline.
Comment: This sequence change replaces threonine, which is neutral and polar, with proline, which is neutral and non-polar, at codon 430 of the EGFR protein (p.Thr430Pro). This variant is not present in population databases (gnomAD no frequency). This variant has not been reported in the literature in individuals affected with EGFR-related conditions. Advanced modeling of protein sequence and biophysical properties (such as structural, functional, and spatial information, amino acid conservation, physicochemical variation, residue mobility, and thermodynamic stability) performed at Invitae indicates that this missense variant is not expected to disrupt EGFR protein function with a negative predictive value of 80%. In summary, the available evidence is currently insufficient to determine the role of this variant in disease. Therefore, it has been classified as a Variant of Uncertain Significance.

NM_005228.5(EGFR):c.1288A>C (p.Thr430Pro)

Gene: EGFR (epidermal growth factor receptor; plus strand). Cytogenetic location: 7p11.2.
Variant type: single nucleotide variant.
Coding change: c.1288A>C on transcript NM_005228.5 (MANE Select); coding-DNA position 1288, A replaced by C.
Protein change: p.Thr430Pro; replaces threonine 430 with proline.
Molecular consequence: missense variant.
Genome position (GRCh38, 1-based): chr7:55,157,743, A>C. VCF-style: chr7-55157743-A-C. GRCh37 (hg19) VCF-style: chr7-55225436-A-C.
Other names: c.1153A>C, p.Thr385Pro (NM_001346897.2, NM_001346899.2); c.1288A>C, p.Thr430Pro (NM_001346898.2, NM_201282.2, NM_201284.2); c.1129A>C, p.Thr377Pro (NM_001346900.2); c.487A>C, p.Thr163Pro (NM_001346941.2); short protein forms T377P, T385P, T430P, T163P.
Identifiers: ClinVar variation 3646915 (VCV003646915.2).